The following is an entry in ClinVar:

ClinVar aggregate classification (germline): Uncertain significance (1 of 4 stars; one submission).

gnomAD v4.1: 13 of 1,609,574 alleles (0.00081%); highest among the groups gnomAD compares: Admixed American, 0.022%; no homozygotes.

Submission:

Labcorp Genetics (formerly Invitae), Labcorp
Classification: Uncertain significance. Last evaluated: 2024-05-29. Review status: criteria provided, single submitter. Criteria: Invitae Variant Classification Sherloc (09022015). Collection method: clinical testing. Allele origin: germline.
Comment: This sequence change replaces serine, which is neutral and polar, with proline, which is neutral and non-polar, at codon 321 of the ELP4 protein (p.Ser321Pro). This variant is present in population databases (rs763586359, gnomAD 0.03%). This variant has not been reported in the literature in individuals affected with ELP4-related conditions. An algorithm developed to predict the effect of missense changes on protein structure and function (PolyPhen-2) suggests that this variant is likely to be disruptive. In summary, the available evidence is currently insufficient to determine the role of this variant in disease. Therefore, it has been classified as a Variant of Uncertain Significance.

NM_019040.5(ELP4):c.961T>C (p.Ser321Pro)

Genes: ELP4 (elongator acetyltransferase complex subunit 4; plus strand), PAX6DRR (PAX6 downstream regulatory region; plus strand). Cytogenetic location: 11p13.
Variant type: single nucleotide variant.
Coding change: c.961T>C on transcript NM_019040.5 (MANE Select); coding-DNA position 961, T replaced by C.
Protein change: p.Ser321Pro; replaces serine 321 with proline.
Molecular consequence: missense variant.
Genome position (GRCh38, 1-based): chr11:31,647,774, T>C. VCF-style: chr11-31647774-T-C. GRCh37 (hg19) VCF-style: chr11-31669322-T-C.
Other names: c.964T>C, p.Ser322Pro (NM_001288725.2); c.961T>C, p.Ser321Pro (NM_001288726.2); short protein forms S321P, S322P.
Identifiers: ClinVar variation 3645063 (VCV003645063.2).